The following is an entry in ClinVar:

NM_003482.4(KMT2D):c.11594_11602delinsC (p.Gln3865fs)

Gene: KMT2D (lysine methyltransferase 2D; minus strand). Cytogenetic location: 12q13.12.
Variant type: Indel.
Coding change: c.11594_11602delinsC on transcript NM_003482.4 (MANE Select); coding-DNA positions 11594 to 11602, AACAGCAAG replaced by C.
Protein change: p.Gln3865fs; shifts the reading frame from glutamine 3865.
Molecular consequence: frameshift variant.
Genome position (GRCh38, 1-based): chr12:49,033,103-49,033,111, CTTGCTGTT replaced by G on the plus strand (AACAGCAAG replaced by C on the coding strand, the reverse complement: KMT2D is on the minus strand). VCF-style: chr12-49033103-CTTGCTGTT-G. GRCh37 (hg19) VCF-style: chr12-49426886-CTTGCTGTT-G.
Other names: short protein forms Q3865fs.
Identifiers: ClinVar variation 970714 (VCV000970714.6), dbSNP rs1943032394, ClinGen allele CA1139662675.

ClinVar aggregate classification (germline): Pathogenic (1 of 4 stars; one submission).

Conditions:
Kabuki syndrome. Also called: NIIKAWA-KUROKI SYNDROME; Kabuki make-up syndrome. Identifiers: Orphanet 2322, MedGen C0796004, MONDO:0016512.

Submission:

Labcorp Genetics (formerly Invitae), Labcorp
Classification: Pathogenic for Kabuki syndrome. Last evaluated: 2019-07-15. Review status: criteria provided, single submitter. Criteria: Invitae Variant Classification Sherloc (09022015). Collection method: clinical testing. Allele origin: germline.
Comment: For these reasons, this variant has been classified as Pathogenic. Loss-of-function variants in KMT2D are known to be pathogenic (PMID: 22126750). This variant has not been reported in the literature in individuals with KMT2D-related conditions. This variant is not present in population databases (ExAC no frequency). This sequence change creates a premature translational stop signal (p.Gln3865Profs*144) in the KMT2D gene. It is expected to result in an absent or disrupted protein product.

Literature cited by the submitters: PubMed 22126750.